The following is an entry in ClinVar:

NM_001378778.1(MPDZ):c.751C>G (p.His251Asp)

Gene: MPDZ (multiple PDZ domain crumbs cell polarity complex component; minus strand). Cytogenetic location: 9p23.
Variant type: single nucleotide variant.
Coding change: c.751C>G on transcript NM_001378778.1 (MANE Select); coding-DNA position 751, C replaced by G.
Protein change: p.His251Asp; replaces histidine 251 with aspartic acid.
Molecular consequence: missense variant.
Genome position (GRCh38, 1-based): chr9:13,221,497, G>C on the plus strand (C>G on the coding strand, the complement: MPDZ is on the minus strand). VCF-style: chr9-13221497-G-C. GRCh37 (hg19) VCF-style: chr9-13221496-G-C.
Other names: c.751C>G, p.His251Asp (NM_001261406.2, NM_001261407.2, NM_001330637.2 and 14 more transcripts); short protein forms H251D.
Identifiers: ClinVar variation 2061241 (VCV002061241.4), dbSNP rs1416039294, ClinGen allele CA372946553.
Genomic context (GRCh38, chr9:13,221,497, plus strand): 5'-TGCCAAATCCCAAACCAGATCCATCATTCACCAATTCAATCGTTTCCATGTGTTGCCAGT[G>C]AACCTACAAACAAAGCTCATATATGAATTTGTAGAAATTTACAAAGCACTACCATTTTAC-3'
Protein context (NP_001365707.1, residues 241-261): STISAHSNPV[His251Asp]WQHMETIELV

ClinVar aggregate classification (germline): Uncertain significance (1 of 4 stars; one submission).

gnomAD v4.1: 1 of 1,609,310 alleles (0.000062%); highest among the groups gnomAD compares: Non-Finnish European, 0.000085%; no homozygotes.

Submission:

Labcorp Genetics (formerly Invitae), Labcorp
Classification: Uncertain significance. Last evaluated: 2022-03-17. Review status: criteria provided, single submitter. Criteria: Invitae Variant Classification Sherloc (09022015). Collection method: clinical testing. Allele origin: germline.
Comment: This sequence change replaces histidine, which is basic and polar, with aspartic acid, which is acidic and polar, at codon 251 of the MPDZ protein (p.His251Asp). This variant is present in population databases (no rsID available, gnomAD 0.0009%). This variant has not been reported in the literature in individuals affected with MPDZ-related conditions. Algorithms developed to predict the effect of missense changes on protein structure and function are either unavailable or do not agree on the potential impact of this missense change (SIFT: "Deleterious"; PolyPhen-2: "Benign"; Align-GVGD: "Class C25"). In summary, the available evidence is currently insufficient to determine the role of this variant in disease. Therefore, it has been classified as a Variant of Uncertain Significance.